The following is an entry in ClinVar:

NM_001029883.3(PCARE):c.3487T>C (p.Trp1163Arg)

Gene: PCARE (photoreceptor cilium actin regulator; minus strand). Cytogenetic location: 2p23.2.
Variant type: single nucleotide variant.
Coding change: c.3487T>C on transcript NM_001029883.3 (MANE Select); coding-DNA position 3487, T replaced by C.
Protein change: p.Trp1163Arg; replaces tryptophan 1163 with arginine.
Molecular consequence: missense variant.
Genome position (GRCh38, 1-based): chr2:29,070,775, A>G on the plus strand (T>C on the coding strand, the complement: PCARE is on the minus strand). VCF-style: chr2-29070775-A-G. GRCh37 (hg19) VCF-style: chr2-29293641-A-G.
Other names: short protein forms W1163R.
Identifiers: ClinVar variation 844018 (VCV000844018.7), dbSNP rs192100693, ClinGen allele CA1591919.

ClinVar aggregate classification (germline): Uncertain significance (1 of 4 stars; one submission).

Allele frequency attached by ClinVar (database versions not stated): gnomAD exomes below 0.00001 and 0.00002; ExAC 0.00003; gnomAD 0.00007; TOPMed 0.00008; 1000 Genomes Project 0.00020; 1000 Genomes Project 30x 0.00031.
gnomAD v4.1: 14 of 1,614,138 alleles (0.00087%); highest among the groups gnomAD compares: African/African-American, 0.017%; no homozygotes.

Submission:

Labcorp Genetics (formerly Invitae), Labcorp
Classification: Uncertain significance. Last evaluated: 2021-08-26. Review status: criteria provided, single submitter. Criteria: Invitae Variant Classification Sherloc (09022015). Collection method: clinical testing. Allele origin: germline.
Comment: This sequence change replaces tryptophan with arginine at codon 1163 of the PCARE protein (p.Trp1163Arg). The tryptophan residue is highly conserved and there is a moderate physicochemical difference between tryptophan and arginine. This variant is present in population databases (rs192100693, ExAC 0.04%). This variant has not been reported in the literature in individuals affected with PCARE-related conditions. Algorithms developed to predict the effect of missense changes on protein structure and function are either unavailable or do not agree on the potential impact of this missense change (SIFT: "Deleterious"; PolyPhen-2: "Possibly Damaging"; Align-GVGD: "Class C0"). In summary, the available evidence is currently insufficient to determine the role of this variant in disease. Therefore, it has been classified as a Variant of Uncertain Significance.